The following is an entry in ClinVar:

ClinVar aggregate classification (germline): Likely pathogenic (1 of 4 stars; one submission).

Conditions:
Intellectual developmental disorder, autosomal dominant 66. Also called: MENTAL RETARDATION, AUTOSOMAL DOMINANT 66. Identifiers: MedGen C5677000, MONDO:0030891, OMIM 619910.

Submission:

ARUP Laboratories, Molecular Genetics and Genomics, ARUP Laboratories
Classification: Likely pathogenic for Intellectual developmental disorder, autosomal dominant 66. Last evaluated: 2024-04-21. Review status: criteria provided, single submitter. Criteria: ARUP Molecular Germline Variant Investigation Process 2024. Collection method: clinical testing. Allele origin: germline.
Comment: The ATP2B1 c.2677del; p.Ile893Ter variant, to our knowledge, is not reported in the medical literature or gene specific databases. This variant is also absent from the Genome Aggregation Database (v2.1.1), indicating it is not a common polymorphism. This variant induces an early termination codon and is predicted to result in a truncated protein or mRNA subject to nonsense-mediated decay. Based on available information, this variant is considered to be likely pathogenic.

NM_001366521.1(ATP2B1):c.2677del (p.Leu892_Ile893insTer)

Gene: ATP2B1 (ATPase plasma membrane Ca2+ transporting 1; minus strand). Cytogenetic location: 12q21.33.
Variant type: Deletion.
Coding change: c.2677del on transcript NM_001366521.1 (MANE Select); coding-DNA position 2677, one base deleted (A; older notation c.2677delA).
Protein change: p.Leu892_Ile893insTer.
Molecular consequence: nonsense.
Genome position (GRCh38, 1-based): chr12:89,603,883, T deleted on the plus strand (A on the coding strand, the reverse complement: ATP2B1 is on the minus strand). VCF-style (leftmost placement, unchanged base first): chr12-89603882-AT-A. GRCh37 (hg19) VCF-style: chr12-89997659-AT-A.
Other names: c.2677del, p.Leu892_Ile893insTer (NM_001001323.2, NM_001366520.1, NM_001366522.1 and 12 more transcripts); c.2479del, p.Leu826_Ile827insTer (NM_001366530.1, NM_001413053.1); c.2116del, p.Leu705_Ile706insTer (NM_001366531.1, NM_001366532.1, NM_001413058.1 and 2 more transcripts); c.2638del, p.Leu879_Ile880insTer (NM_001413048.1); c.2536del, p.Leu845_Ile846insTer (NM_001413051.1, NM_001413052.1, NM_001413055.1); c.2434del, p.Leu811_Ile812insTer (NM_001413054.1); c.2422del, p.Leu807_Ile808insTer (NM_001413056.1); c.2224del, p.Leu741_Ile742insTer (NM_001413057.1).
Identifiers: ClinVar variation 3766578 (VCV003766578.1).